The following is an entry in ClinVar:

NM_001377295.2(GNAT2):c.304-1G>A

Gene: GNAT2 (G protein subunit alpha transducin 2; minus strand). Cytogenetic location: 1p13.3.
Variant type: single nucleotide variant.
Coding change: c.304-1G>A on transcript NM_001377295.2 (MANE Select); the canonical splice acceptor site of the intron before coding-DNA position 304, G replaced by A.
Molecular consequence: splice acceptor variant.
Genome position (GRCh38, 1-based): chr1:109,608,789, C>T on the plus strand (G>A on the coding strand, the complement: GNAT2 is on the minus strand). VCF-style: chr1-109608789-C-T. GRCh37 (hg19) VCF-style: chr1-110151411-C-T.
Other names: c.304-1G>A (NM_001379232.1, NM_005272.5).
Identifiers: ClinVar variation 2031990 (VCV002031990.4), dbSNP rs2524344930, ClinGen allele CA341540930.

ClinVar aggregate classification (germline): Likely pathogenic (1 of 4 stars; one submission).

Submission:

Labcorp Genetics (formerly Invitae), Labcorp
Classification: Likely pathogenic. Last evaluated: 2022-09-23. Review status: criteria provided, single submitter. Criteria: Invitae Variant Classification Sherloc (09022015). Collection method: clinical testing. Allele origin: germline.
Comment: In summary, the currently available evidence indicates that the variant is pathogenic, but additional data are needed to prove that conclusively. Therefore, this variant has been classified as Likely Pathogenic. Algorithms developed to predict the effect of sequence changes on RNA splicing suggest that this variant may disrupt the consensus splice site. This variant has not been reported in the literature in individuals affected with GNAT2-related conditions. This variant is not present in population databases (gnomAD no frequency). This sequence change affects an acceptor splice site in intron 3 of the GNAT2 gene. It is expected to disrupt RNA splicing. Variants that disrupt the donor or acceptor splice site typically lead to a loss of protein function (PMID: 16199547), and loss-of-function variants in GNAT2 are known to be pathogenic (PMID: 12077706).

Literature cited by the submitters: PubMed 16199547; PubMed 12077706.